The following is an entry in ClinVar:

NM_000092.5(COL4A4):c.1431_1432del (p.Gly478fs)

Gene: COL4A4 (collagen type IV alpha 4 chain; minus strand). Cytogenetic location: 2q36.3.
Variant type: Deletion.
Coding change: c.1431_1432del on transcript NM_000092.5 (MANE Select); coding-DNA positions 1431 to 1432, 2 bases deleted (AG; older notation c.1431_1432delAG).
Protein change: p.Gly478fs; shifts the reading frame from glycine 478.
Molecular consequence: frameshift variant.
Genome position (GRCh38, 1-based): chr2:227,089,895-227,089,896, CT deleted on the plus strand (AG on the coding strand, the reverse complement: COL4A4 is on the minus strand). VCF-style (leftmost placement, unchanged base first): chr2-227089894-CCT-C. GRCh37 (hg19) VCF-style: chr2-227954610-CCT-C.
Other names: short protein forms G478fs.
Identifiers: ClinVar variation 5013587 (VCV005013587.1).

ClinVar aggregate classification (germline): Pathogenic (1 of 4 stars; one submission).

Conditions:
Alport syndrome. Also called: Hemorrhagic familial nephritis; Hemorrhagic hereditary nephritis; Congenital hereditary hematuria. Identifiers: Orphanet 63, MedGen C1567741, MONDO:0018965.

Submission:

Myriad Genetics, Inc.
Classification: Pathogenic for Alport syndrome. Last evaluated: 2024-09-28. Review status: criteria provided, single submitter. Criteria: Myriad Autosomal Dominant, Autosomal Recessive and X-Linked Classification Criteria (2023). Collection method: clinical testing. Allele origin: unknown.
Comment: NM_000092.4(COL4A4):c.1431_1432delAG(G478Rfs*11) is expected to be pathogenic in the context of Alport syndrome, COL4A4-related. This variant is predicted to lead to an abnormal or absent protein product due to the creation of a premature termination codon in COL4A4, a gene where loss-of-function variants are known to be pathogenic. Please note: this variant was assessed in the context of healthy population screening.